The following is an entry in ClinVar:

ClinVar aggregate classification (germline): Uncertain significance (1 of 4 stars; one submission).

Conditions:
Inborn genetic diseases. Identifiers: MedGen C0950123, MeSH D030342.

Submission:

Ambry Genetics
Classification: Uncertain significance for Inborn genetic diseases. Last evaluated: 2026-04-10. Review status: criteria provided, single submitter. Criteria: Ambry Variant Classification Scheme 2023. Collection method: clinical testing. Allele origin: germline.
Comment: The p.H281L variant (also known as c.842A>T), located in coding exon 8 of the CEP57 gene, results from an A to T substitution at nucleotide position 842. The histidine at codon 281 is replaced by leucine, an amino acid with similar properties. This amino acid position is conserved. In addition, the in silico prediction for this alteration is inconclusive. Based on the available evidence, the clinical significance of this variant remains unclear.

NM_014679.5(CEP57):c.842A>T (p.His281Leu)

Gene: CEP57 (centrosomal protein 57; plus strand). Cytogenetic location: 11q21.
Variant type: single nucleotide variant.
Coding change: c.842A>T on transcript NM_014679.5 (MANE Select); coding-DNA position 842, A replaced by T.
Protein change: p.His281Leu; replaces histidine 281 with leucine.
Molecular consequence: missense variant. On other transcripts: intron variant (4).
Genome position (GRCh38, 1-based): chr11:95,822,533, A>T. VCF-style: chr11-95822533-A-T. GRCh37 (hg19) VCF-style: chr11-95555697-A-T.
Other names: c.653A>T, p.His218Leu (NM_001440875.1); c.644A>T, p.His215Leu (NM_001440877.1, NM_001440878.1); c.617A>T, p.His206Leu (NM_001440879.1); c.581A>T, p.His194Leu (NM_001440880.1); c.545A>T, p.His182Leu (NM_001440881.1); c.807+555A>T (NM_001243777.2); c.699+3629A>T (NM_001440874.1); c.690+555A>T (NM_001440876.1); and 6 more; short protein forms H182L, H194L, H206L, H215L, H218L, H221L, H242L, H245L.
Identifiers: ClinVar variation 4868751 (VCV004868751.1).